The following is an entry in ClinVar:

ClinVar aggregate classification (germline): Uncertain significance (1 of 4 stars; one submission).

Conditions:
Inborn genetic diseases. Identifiers: MedGen C0950123, MeSH D030342.

Submission:

Ambry Genetics
Classification: Uncertain significance for Inborn genetic diseases. Last evaluated: 2025-03-02. Review status: criteria provided, single submitter. Criteria: Ambry Variant Classification Scheme 2023. Collection method: clinical testing. Allele origin: germline.
Comment: The p.V922A variant (also known as c.2765T>C), located in coding exon 13 of the ASXL1 gene, results from a T to C substitution at nucleotide position 2765. The valine at codon 922 is replaced by alanine, an amino acid with similar properties. This amino acid position is conserved. In addition, this alteration is predicted to be tolerated by in silico analysis. Based on the available evidence, the clinical significance of this variant remains unclear.

NM_015338.6(ASXL1):c.2765T>C (p.Val922Ala)

Gene: ASXL1 (ASXL transcriptional regulator 1; plus strand). Cytogenetic location: 20q11.21.
Variant type: single nucleotide variant.
Coding change: c.2765T>C on transcript NM_015338.6 (MANE Select); coding-DNA position 2765, T replaced by C.
Protein change: p.Val922Ala; replaces valine 922 with alanine.
Molecular consequence: missense variant.
Genome position (GRCh38, 1-based): chr20:32,435,477, T>C. VCF-style: chr20-32435477-T-C. GRCh37 (hg19) VCF-style: chr20-31023280-T-C.
Other names: c.2582T>C, p.Val861Ala (NM_001363734.1); short protein forms V922A, V861A.
Identifiers: ClinVar variation 3793965 (VCV003793965.1).
Genomic context (GRCh38, chr20:32,435,477, plus strand): 5'-CATCGAATGATGAGGTAGTGAAACAGCCCAAACCAGAATCCAGAGAACACATACCATCTG[T>C]TGAGCCCCAGGTTGGAGAGGAGTGGGAGAAAGCTGCTCCCACCCCTCCTGCATTGCCTGG-3'
Protein context (NP_056153.2, residues 912-932): KPESREHIPS[Val922Ala]EPQVGEEWEK